The following is an entry in ClinVar:

ClinVar aggregate classification (germline): Benign/Likely benign. Review status: criteria provided, multiple submitters, no conflicts (2 of 4 stars). 3 submissions from 3 submitters: Benign (1); Likely benign (2). Last evaluated 2025-09-10.

Conditions:
PLD3-related disorder. Also called: PLD3-related condition.

Allele frequency attached by ClinVar (database versions not stated): ESP Exome Variant Server 0.00023; 1000 Genomes Project 30x 0.00031; TOPMed 0.00032; 1000 Genomes Project 0.00040; ExAC 0.00075; gnomAD 0.00091.
gnomAD v4.1: 1,222 of 1,610,478 alleles (0.076%); highest among the groups gnomAD compares: Middle Eastern, 0.13%; 2 homozygotes.

Submissions (3):

Mayo Clinic Laboratories, Mayo Clinic
Classification: Likely benign. Last evaluated: 2025-09-10. Review status: criteria provided, single submitter. Criteria: ACMG Guidelines, 2015. Collection method: clinical testing. Allele origin: germline. Observed: 2 variant alleles.
Comment: BS2, BP4

PreventionGenetics, part of Exact Sciences
Classification: Likely benign for PLD3-related condition. Last evaluated: 2025-03-14. Review status: criteria provided, single submitter. Criteria: ACMG Guidelines, 2015. Collection method: clinical testing. Allele origin: germline.
Comment: This variant is classified as likely benign based on ACMG/AMP sequence variant interpretation guidelines (Richards et al. 2015 PMID: 25741868, with internal and published modifications).

Labcorp Genetics (formerly Invitae), Labcorp
Classification: Benign. Last evaluated: 2024-10-25. Review status: criteria provided, single submitter. Criteria: Invitae Variant Classification Sherloc (09022015). Collection method: clinical testing. Allele origin: germline.

Literature cited by the submitters: PubMed 24336208 (cited by Mayo Clinic Laboratories, Mayo Clinic); PubMed 27081517 (cited by Mayo Clinic Laboratories, Mayo Clinic).

NM_012268.4(PLD3):c.226C>G (p.Pro76Ala)

Gene: PLD3 (phospholipase D family member 3; plus strand). Cytogenetic location: 19q13.2.
Variant type: single nucleotide variant.
Coding change: c.226C>G on transcript NM_012268.4 (MANE Select); coding-DNA position 226, C replaced by G.
Protein change: p.Pro76Ala; replaces proline 76 with alanine.
Molecular consequence: missense variant.
Genome position (GRCh38, 1-based): chr19:40,366,896, C>G. VCF-style: chr19-40366896-C-G. GRCh37 (hg19) VCF-style: chr19-40872803-C-G.
Other names: p.Pro76Ala; c.226C>G, p.Pro76Ala (NM_001031696.4, NM_001291311.2); c.226C>G (NM_012268.3); short protein forms P76A.
Identifiers: ClinVar variation 2055115 (VCV002055115.6), dbSNP rs138674695, ClinGen allele CA9442619.
Genomic context (GRCh38, chr19:40,366,896, plus strand): 5'-CAGCTGTTTCTATGGGAATACGGCGACTTGCATCTCTTTGGGCCCAACCAGCGCCCAGCC[C>G]CCTGCTATGACCCTTGCGAGTAAGTGGGGGGTGCTGCAGTTGGTGGGGGAGGGGCCTGCC-3'
Protein context (NP_036400.2, residues 66-86): HLFGPNQRPA[Pro76Ala]CYDPCEAVLV